The following is an entry in ClinVar:

NM_003073.5(SMARCB1):c.158G>T (p.Arg53Leu)

Gene: SMARCB1 (SWI/SNF related BAF chromatin remodeling complex subunit B1; plus strand). Cytogenetic location: 22q11.23.
Variant type: single nucleotide variant.
Coding change: c.158G>T on transcript NM_003073.5 (MANE Select); coding-DNA position 158, G replaced by T.
Protein change: p.Arg53Leu; replaces arginine 53 with leucine.
Molecular consequence: missense variant.
Genome position (GRCh38, 1-based): chr22:23,791,820, G>T. VCF-style: chr22-23791820-G-T. GRCh37 (hg19) VCF-style: chr22-24134007-G-T.
Other names: c.158G>T (LRG_520t1, NM_003073.4); c.158G>T, p.Arg53Leu (NM_001007468.3, NM_001317946.2, NM_001362877.2); short protein forms R53L.
Identifiers: ClinVar variation 410706 (VCV000410706.19), dbSNP rs779769475, ClinGen allele CA16616285.

ClinVar aggregate classification (germline): Pathogenic/Likely pathogenic. Review status: criteria provided, multiple submitters, no conflicts (2 of 4 stars). 5 submissions from 5 submitters: Pathogenic (2); Likely pathogenic (1). 2 of the submissions do not count toward it. Last evaluated 2025-07-30.

Conditions:
SMARCB1-related disorder. Also called: SMARCB1-related condition; SMARCB1-related disorders.
Hereditary cancer-predisposing syndrome. Also called: Hereditary neoplastic syndrome; Neoplastic Syndromes, Hereditary; Hereditary Cancer Syndrome; Tumor predisposition. Identifiers: Orphanet 140162, MedGen C0027672, MeSH D009386, MONDO:0015356.
SMARCB1-related schwannomatosis. Also called: SWNTS1; Schwannomatosis 1. Identifiers: Orphanet 93921, MedGen C4048809, MONDO:0024517, OMIM 162091. Disease mechanism: loss of function.

Submissions (5):

Labcorp Genetics (formerly Invitae), Labcorp
Classification: Pathogenic. Last evaluated: 2025-07-30. Review status: criteria provided, single submitter. Criteria: Invitae Variant Classification Sherloc (09022015). Collection method: clinical testing. Allele origin: germline.
Comment: This sequence change replaces arginine, which is basic and polar, with leucine, which is neutral and non-polar, at codon 53 of the SMARCB1 protein (p.Arg53Leu). This variant is not present in population databases (gnomAD no frequency). This missense change has been observed in individual(s) with schwannomatosis (PMID: 18647326; internal data). It has also been observed to segregate with disease in related individuals. ClinVar contains an entry for this variant (Variation ID: 410706). An algorithm developed to predict the effect of missense changes on protein structure and function (PolyPhen-2) suggests that this variant is likely to be tolerated. Experimental studies are conflicting or provide insufficient evidence to determine the effect of this variant on SMARCB1 function (PMID: 22949514, 26073604). For these reasons, this variant has been classified as Pathogenic.

Ambry Genetics
Classification: Likely pathogenic for Hereditary cancer-predisposing syndrome. Last evaluated: 2024-12-19. Review status: criteria provided, single submitter. Criteria: Ambry Variant Classification Scheme 2023. Collection method: clinical testing. Allele origin: germline.
Comment: The p.R53L variant (also known as c.158G>T), located in coding exon 2 of the SMARCB1 gene, results from a G to T substitution at nucleotide position 158. The arginine at codon 53 is replaced by leucine, an amino acid with dissimilar properties. This alteration was detected in multiple unrelated families with schwannomatosis and segregated with disease in 4/4 affected relatives in one family (Boyd C et al. Clin Genet, 2008 Oct;74:358-66; Ambry internal data). Tumors analyzed from affected individuals has shown either loss of heterozygosity (wild type G allele) or deletion of the region encompassing SMARCB1 and NF2 along with third mutational events in NF2 (Piotrowski A et al. Nat Genet, 2014 Feb;46:182-7). This amino acid position is well conserved in available vertebrate species. In addition, this alteration is predicted to be deleterious by in silico analysis. This variant is considered to be rare based on population cohorts in the Genome Aggregation Database (gnomAD). Missense and in-frame variants in SMARCB1 are known to cause neurodevelopmental disorders; however, such associations with rhabdoid tumor predisposition syndrome are exceedingly rare (Kosho T et al. Am J Med Genet C Semin Med Genet. 2014 Sep;166C(3):262-75; Eaton KW et al. Pediatr Blood Cancer. 2011 Jan;56(1):7-15). Based on the supporting evidence, this alteration is likely pathogenic for SMARCB1-related tumor predisposition syndrome; however, the association of this alteration with Coffin-Siris syndrome is unlikely.

GeneDx
Classification: Pathogenic. Last evaluated: 2024-05-08. Review status: criteria provided, single submitter. Criteria: GeneDx Variant Classification Process June 2021. Collection method: clinical testing. Allele origin: germline. Affected: yes.
Comment: Published functional studies demonstrate a damaging effect: unable to rescue SMARCB1 null Drosophila specimens (PMID: 22949514; Walker, James A, Developing a Drosophila Model of Schwannomatosis 5f); In silico analysis supports that this missense variant has a deleterious effect on protein structure/function; Not observed at significant frequency in large population cohorts (gnomAD); This variant is associated with the following publications: (PMID: 25772157, 26073604, 22949514, 24933152, 31586052, 29907796, 18647326)

PreventionGenetics, part of Exact Sciences
Classification: Likely pathogenic for SMARCB1-related condition. Last evaluated: 2024-09-06. Review status: no assertion criteria provided. Collection method: clinical testing. Allele origin: germline. Not counted in ClinVar's aggregate classification.
Comment: The SMARCB1 c.158G>T variant is predicted to result in the amino acid substitution p.Arg53Leu. This variant was reported in individuals with schwannomatosis (Boyd et al., 2008. PubMed ID: 18647326; Smith et al., 2012. PubMed ID: 22949514). This variant has not been reported in a large population database, indicating this variant is rare. This variant is interpreted as likely pathogenic.

Baylor-Hopkins Center for Mendelian Genomics, Johns Hopkins University School of Medicine
Classification: Uncertain significance for SMARCB1-related schwannomatosis. Review status: flagged submission. Criteria: ACMG Guidelines, 2015. Collection method: research. Allele origin: germline. Affected: yes. Observed: 3 variant alleles, 3 heterozygotes. Not counted in ClinVar's aggregate classification.
ClinVar note: Reason: Older and outlier claim with insufficient supporting evidence

Literature cited by the submitters: PubMed 18647326 (cited by Labcorp Genetics (formerly Invitae), Labcorp and Ambry Genetics); PubMed 22949514 (cited by Labcorp Genetics (formerly Invitae), Labcorp and Ambry Genetics); PubMed 26073604 (cited by Labcorp Genetics (formerly Invitae), Labcorp); PubMed 24362817 (cited by Ambry Genetics).